The following is an entry in ClinVar:

ClinVar aggregate classification (germline): Conflicting classifications of pathogenicity. Review status: criteria provided, conflicting classifications (1 of 4 stars). 3 submissions from 3 submitters: Uncertain significance (2); Likely benign (1). Last evaluated 2025-10-30.

Conditions:
Hereditary cancer-predisposing syndrome. Also called: Neoplastic Syndromes, Hereditary; Hereditary neoplastic syndrome; Hereditary Cancer Syndrome; Tumor predisposition. Identifiers: Orphanet 140162, MedGen C0027672, MeSH D009386, MONDO:0015356.
Tuberous sclerosis syndrome (TSC). Also called: Tuberous sclerosis; Tuberous Sclerosis Complex. Identifiers: Orphanet 805, MedGen C0041341, MONDO:0001734.
Tuberous sclerosis 1 (TSC1). Identifiers: Orphanet 805, MedGen C1854465, MONDO:0008612, OMIM 191100.

Allele frequency attached by ClinVar (database versions not stated): ExAC 0.00001; gnomAD exomes 0.00001 and 0.00002.
gnomAD v4.1: 12 of 1,614,148 alleles (0.00074%); highest among the groups gnomAD compares: South Asian, 0.0033%; no homozygotes.

Submissions (3):

Ambry Genetics
Classification: Uncertain significance for Hereditary cancer-predisposing syndrome. Last evaluated: 2025-10-30. Review status: criteria provided, single submitter. Criteria: Ambry Variant Classification Scheme 2023. Collection method: clinical testing. Allele origin: germline.
Comment: The p.Q926E variant (also known as c.2776C>G), located in coding exon 19 of the TSC1 gene, results from a C to G substitution at nucleotide position 2776. The glutamine at codon 926 is replaced by glutamic acid, an amino acid with highly similar properties. This amino acid position is conserved. In addition, this alteration is predicted to be deleterious by in silico analysis. Since supporting evidence is limited at this time, the clinical significance of this alteration remains unclear.

Labcorp Genetics (formerly Invitae), Labcorp
Classification: Likely benign for Tuberous sclerosis 1. Last evaluated: 2025-07-06. Review status: criteria provided, single submitter. Criteria: Invitae Variant Classification Sherloc (09022015). Collection method: clinical testing. Allele origin: germline.

All of Us Research Program, National Institutes of Health
Classification: Uncertain significance for Tuberous sclerosis syndrome. Last evaluated: 2023-06-08. Review status: criteria provided, single submitter. Criteria: ACMG Guidelines, 2015. Collection method: clinical testing. Allele origin: germline. Inheritance: Autosomal dominant inheritance. Observed: 3 variant alleles, 3 heterozygotes.
Comment: This missense variant replaces glutamine with glutamic acid at codon 926 of the TSC1 protein. Computational prediction is inconclusive regarding the impact of this variant on protein structure and function (internally defined REVEL score threshold 0.5 < inconclusive < 0.7, PMID: 27666373). To our knowledge, functional studies have not been reported for this variant. This variant has not been reported in individuals affected with TSC1-related disorders in the literature. This variant has been identified in 4/251478 chromosomes in the general population by the Genome Aggregation Database (gnomAD). The available evidence is insufficient to determine the role of this variant in disease conclusively. Therefore, this variant is classified as a Variant of Uncertain Significance.

This study involves interpretation of variants in research participants for the purpose of population health screening. Participant phenotype was not available at the time of variant classification. Additional details can be found in publication PMID: 35346344, PMCID: PMC8962531

NM_000368.5(TSC1):c.2776C>G (p.Gln926Glu)

Gene: TSC1 (TSC complex subunit 1; minus strand). Cytogenetic location: 9q34.13.
Variant type: single nucleotide variant.
Coding change: c.2776C>G on transcript NM_000368.5 (MANE Select); coding-DNA position 2776, C replaced by G.
Protein change: p.Gln926Glu; replaces glutamine 926 with glutamic acid.
Molecular consequence: missense variant.
Genome position (GRCh38, 1-based): chr9:132,897,460, G>C on the plus strand (C>G on the coding strand, the complement: TSC1 is on the minus strand). VCF-style: chr9-132897460-G-C. GRCh37 (hg19) VCF-style: chr9-135772847-G-C.
Other names: c.2773C>G, p.Gln925Glu (NM_001162426.2); c.2623C>G, p.Gln875Glu (NM_001162427.2); c.2413C>G, p.Gln805Glu (NM_001362177.2); short protein forms Q926E, Q875E, Q925E, Q805E.
Identifiers: ClinVar variation 659644 (VCV000659644.12), dbSNP rs397514879, ClinGen allele CA034563.
Genomic context (GRCh38, chr9:132,897,460, plus strand): 5'-AAGCCTTTCCTGATGAAAGTTACCTTGCCTGGAGTTTGACATCCTCTAGATATTTCTTCT[G>C]TTCCAAAAGAAGGTGGTCTTTCTTGGCCAGGTGAGATTCCAGTTCCAAAATCCGTTTTTG-3'
Protein context (NP_000359.1, residues 916-936): LAKKDHLLLE[Gln926Glu]KKYLEDVKLQ